The following is an entry in ClinVar:

ClinVar aggregate classification (germline): Uncertain significance (1 of 4 stars; one submission).

Conditions:
Charcot-Marie-Tooth disease type 4. Also called: Charcot-Marie-Tooth disease, type IV; Charcot-Marie-Tooth, Type 4. Identifiers: Orphanet 64749, MedGen C4082197, MONDO:0018995.

Submission:

Labcorp Genetics (formerly Invitae), Labcorp
Classification: Uncertain significance for Charcot-Marie-Tooth disease type 4. Last evaluated: 2020-08-18. Review status: criteria provided, single submitter. Criteria: Invitae Variant Classification Sherloc (09022015). Collection method: clinical testing. Allele origin: germline.
Comment: This variant, c.1594_1671dup, results in the insertion of 26 amino acid(s) to the PRX protein (p.Lys532_Pro557dup), but otherwise preserves the integrity of the reading frame. This variant is not present in population databases (ExAC no frequency). This variant has not been reported in the literature in individuals with PRX-related conditions. Algorithms developed to predict the effect of sequence changes on RNA splicing suggest that this variant may create or strengthen a splice site, but this prediction has not been confirmed by published transcriptional studies. In summary, the available evidence is currently insufficient to determine the role of this variant in disease. Therefore, it has been classified as a Variant of Uncertain Significance.

NM_181882.3(PRX):c.1594_1671dup (p.Lys532_Pro557dup)

Gene: PRX (periaxin; minus strand). Cytogenetic location: 19q13.2.
Variant type: Duplication.
Coding change: c.1594_1671dup on transcript NM_181882.3 (MANE Select); coding-DNA positions 1594 to 1671, 78 bases duplicated.
Protein change: p.Lys532_Pro557dup.
Molecular consequence: inframe insertion. On other transcripts: 3 prime UTR variant (1).
Genome position (GRCh38, 1-based): chr19:40,396,681-40,396,758, 78 bases duplicated. GRCh37 (hg19): chr19:40,902,603-40,902,680.
Other names: c.*1799_*1876dup (NM_020956.2).
Identifiers: ClinVar variation 1010419 (VCV001010419.8), dbSNP rs2079441294, ClinGen allele CA2335961781.